The following is an entry in ClinVar:

ClinVar aggregate classification (germline): Conflicting classifications of pathogenicity. Review status: criteria provided, conflicting classifications (1 of 4 stars). 2 submissions from 2 submitters: Uncertain significance (1); Likely benign (1). Last evaluated 2024-12-01.

Conditions:
Inborn genetic diseases. Identifiers: MedGen C0950123, MeSH D030342.

Allele frequency attached by ClinVar (database versions not stated): gnomAD exomes 0.00005; gnomAD 0.00009; ExAC 0.00013; TOPMed 0.00013; ESP Exome Variant Server 0.00015; 1000 Genomes Project 30x 0.00016; 1000 Genomes Project 0.00020.
gnomAD v4.1: 89 of 1,612,086 alleles (0.0055%); highest among the groups gnomAD compares: East Asian, 0.045%; no homozygotes.

Submissions (2):

CeGaT Center for Human Genetics Tuebingen
Classification: Likely benign. Last evaluated: 2024-12-01. Review status: criteria provided, single submitter. Criteria: CeGaT Center For Human Genetics Tuebingen Variant Classification Criteria Version 2. Collection method: clinical testing. Allele origin: germline. Affected: yes. Observed: 1 variant allele.
Comment: TBC1D1: BP4

Ambry Genetics
Classification: Uncertain significance for Inborn genetic diseases. Last evaluated: 2023-12-26. Review status: criteria provided, single submitter. Criteria: Ambry Variant Classification Scheme 2023. Collection method: clinical testing. Allele origin: germline.

NM_001396959.1(TBC1D1):c.3707C>T (p.Thr1236Met)

Gene: TBC1D1 (TBC1 domain family member 1; plus strand). Cytogenetic location: 4p14.
Variant type: single nucleotide variant.
Coding change: c.3707C>T on transcript NM_001396959.1 (MANE Select); coding-DNA position 3707, C replaced by T.
Protein change: p.Thr1236Met; replaces threonine 1236 with methionine.
Molecular consequence: missense variant.
Genome position (GRCh38, 1-based): chr4:38,137,253, C>T. VCF-style: chr4-38137253-C-T. GRCh37 (hg19) VCF-style: chr4-38138874-C-T.
Other names: c.3398C>T, p.Thr1133Met (NM_001253912.2); c.716C>T, p.Thr239Met (NM_001253913.2, NM_001253914.2); c.461C>T, p.Thr154Met (NM_001253915.2); c.3425C>T, p.Thr1142Met (NM_015173.4); short protein forms T1142M, T154M, T239M, T1133M, T1236M.
Identifiers: ClinVar variation 3174372 (VCV003174372.14), dbSNP rs151143743, ClinGen allele CA2888372.